The following is an entry in ClinVar:

NM_000642.3(AGL):c.4259+5G>A

Gene: AGL (amylo-alpha-1,6-glucosidase and 4-alpha-glucanotransferase; plus strand). Cytogenetic location: 1p21.2.
Variant type: single nucleotide variant.
Coding change: c.4259+5G>A on transcript NM_000642.3 (MANE Select); 5 bases into the intron after coding-DNA position 4259, G replaced by A.
Molecular consequence: intron variant.
Genome position (GRCh38, 1-based): chr1:99,915,491, G>A. VCF-style: chr1-99915491-G-A. GRCh37 (hg19) VCF-style: chr1-100381047-G-A.
Other names: IVS33DS, G-A, +5; c.4259+5G>A (NM_000643.3, NM_000644.3, NM_001425325.1 and 2 more transcripts); c.4211+5G>A (NM_000646.3); c.4238+5G>A (NM_001425326.1); c.4058+5G>A (NM_001425327.1); c.4055+5G>A (NM_001425328.1); c.3920+5G>A (NM_001425329.1); c.3881+5G>A (NM_001425332.1).
Identifiers: ClinVar variation 1105 (VCV000001105.14), dbSNP rs780504025, ClinGen allele CA967362.
Genomic context (GRCh38, chr1:99,915,491, plus strand): 5'-GAGATTGCAGAAAAAAAATTGCTTGGTCCCCTTGGCATGAAAACTTTAGATCCAGAGTAA[G>A]TTGGAATATAAGTATTAAGAATGTTATCATATTTAATCCAAATACATTGACATCAACCAT-3'

ClinVar aggregate classification (germline): Conflicting classifications of pathogenicity. Review status: criteria provided, conflicting classifications (1 of 4 stars). 7 submissions from 7 submitters: Likely pathogenic (3); Uncertain significance (2). 2 of the submissions do not count toward it. Last evaluated 2025-11-17.

Conditions:
Glycogen storage disease type III (GSD3). Also called: Cori disease; FORBES DISEASE. Identifiers: Orphanet 366, MedGen C0017922, MONDO:0009291, OMIM 232400.
Glycogen storage disease IIIb. Also called: Glycogen Storage Disease Type IIIb (GSD IIIb). Identifiers: MedGen C1968740.

Allele frequency attached by ClinVar (database versions not stated): gnomAD exomes below 0.00001; ExAC 0.00001.
gnomAD v4.1: 5 of 1,585,922 alleles (0.00032%); highest among the groups gnomAD compares: Non-Finnish European, 0.00043%; no homozygotes.

Submissions (7):

Myriad Genetics, Inc.
Classification: Uncertain significance for Glycogen storage disease type III. Last evaluated: 2025-11-17. Review status: criteria provided, single submitter. Criteria: Myriad Autosomal Dominant, Autosomal Recessive and X-Linked Classification Criteria (2023). Collection method: clinical testing. Allele origin: unknown.
Comment: NM_000642.2(AGL):c.4259+5G>A is an intronic variant classified as a variant of uncertain significance in the context of glycogen storage disease type III. c.4259+5G>A has been observed in a case with relevant disease (PMID: 34820282,17196294). Relevant functional assessments of this variant are not available in the literature. c.4259+5G>A has been observed in referenced population frequency databases. In summary, there is insufficient evidence to classify NM_000642.2(AGL):c.4259+5G>A as pathogenic or benign. Please note: this variant was assessed in the context of healthy population screening.

Baylor Genetics
Classification: Likely pathogenic for Glycogen storage disease type III. Last evaluated: 2023-09-02. Review status: criteria provided, single submitter. Criteria: ACMG Guidelines, 2015. Collection method: clinical testing. Allele origin: unknown.

Labcorp Genetics (formerly Invitae), Labcorp
Classification: Uncertain significance for Glycogen storage disease type III. Last evaluated: 2021-04-27. Review status: criteria provided, single submitter. Criteria: Invitae Variant Classification Sherloc (09022015). Collection method: clinical testing. Allele origin: germline.
Comment: This sequence change falls in intron 31 of the AGL gene. It does not directly change the encoded amino acid sequence of the AGL protein. It affects a nucleotide within the consensus splice site of the intron. This variant is present in population databases (rs780504025, ExAC 0.002%). This variant has not been reported in the literature in individuals with AGL-related conditions. ClinVar contains an entry for this variant (Variation ID: 1105). Nucleotide substitutions within the consensus splice site are a relatively common cause of aberrant splicing (PMID: 17576681, 9536098). Algorithms developed to predict the effect of sequence changes on RNA splicing suggest that this variant may disrupt the consensus splice site, but this prediction has not been confirmed by published transcriptional studies. In summary, the available evidence is currently insufficient to determine the role of this variant in disease. Therefore, it has been classified as a Variant of Uncertain Significance.

GeneDx
Classification: Likely pathogenic. Last evaluated: 2019-11-08. Review status: criteria provided, single submitter. Criteria: GeneDx Variant Classification Process June 2021. Collection method: clinical testing. Allele origin: germline. Affected: yes.
Comment: Intronic +5 splice site variant in a gene for which loss-of-function is a known mechanism of disease, and both in silico predictors and evolutionary conservation support a deleterious effect; Not observed at a significant frequency in large population cohorts (Lek et al., 2016); Has not been previously published as pathogenic or benign to our knowledge; This variant is associated with the following publications: (PMID: 10925384)

Molecular Diagnostics Laboratory, M Health Fairview: University of Minnesota
Classification: Likely pathogenic for Glycogen storage disease type III. Last evaluated: 2019-07-09. Review status: criteria provided, single submitter. Criteria: ACMG Guidelines, 2015. Collection method: clinical testing. Allele origin: germline. Affected: yes. Observed: 1 variant allele.

Natera, Inc.
Classification: Likely pathogenic for Glycogen storage disease type III. Last evaluated: 2021-03-17. Review status: no assertion criteria provided. Collection method: clinical testing. Allele origin: germline. Not counted in ClinVar's aggregate classification.

OMIM
Classification: Pathogenic for GLYCOGEN STORAGE DISEASE, TYPE IIIb. Last evaluated: 2000-07-31. Review status: no assertion criteria provided. Collection method: literature only. Allele origin: germline. Not counted in ClinVar's aggregate classification.

Literature cited by the submitters: PubMed 17196294 (cited by Myriad Genetics, Inc.); PubMed 34820282 (cited by Myriad Genetics, Inc.); PubMed 17576681 (cited by Labcorp Genetics (formerly Invitae), Labcorp); PubMed 9536098 (cited by Labcorp Genetics (formerly Invitae), Labcorp); PubMed 10925384 (cited by Molecular Diagnostics Laboratory, M Health Fairview: University of Minnesota and OMIM).